The following is an entry in ClinVar:

NC_000009.11:g.(?_79936065)_(80030922_?)del

Gene: VPS13A (vacuolar protein sorting 13 homolog A; plus strand). Cytogenetic location: 9q21.2.
Variant type: Deletion.
Identifiers: ClinVar variation 3245376 (VCV003245376.1).

ClinVar aggregate classification (germline): Pathogenic (1 of 4 stars; one submission).

Submission:

Labcorp Genetics (formerly Invitae), Labcorp
Classification: Pathogenic. Last evaluated: 2022-12-21. Review status: criteria provided, single submitter. Criteria: Invitae Variant Classification Sherloc (09022015). Collection method: clinical testing. Allele origin: unknown.
Comment: For these reasons, this variant has been classified as Pathogenic. This variant disrupts a region of the VPS13A protein in which other variant(s) (p.Glu3144Valfs*6) have been determined to be pathogenic (PMID: 12404112, 30713887, 31543803). This suggests that this is a clinically significant region of the protein, and that variants that disrupt it are likely to be disease-causing. This variant has not been reported in the literature in individuals affected with VPS13A-related conditions. This variant is a gross deletion of the genomic region encompassing exon(s) 43-72 of the VPS13A gene, which includes the termination codon. This deletion extends beyond the assayed region for this gene and therefore may encompass additional genes. While this deletion is not anticipated to lead to nonsense mediated decay, it is expected to alter mRNA translation or result in a truncated protein product.

Literature cited by the submitters: PubMed 12404112; PubMed 30713887; PubMed 31543803.